The following is an entry in ClinVar:

ClinVar aggregate classification (germline): Uncertain significance (1 of 4 stars; one submission).

gnomAD v4.1: 31 of 1,585,000 alleles (0.002%); highest among the groups gnomAD compares: East Asian, 0.059%; 1 homozygote.

Submission:

Labcorp Genetics (formerly Invitae), Labcorp
Classification: Uncertain significance. Last evaluated: 2025-12-06. Review status: criteria provided, single submitter. Criteria: Invitae Variant Classification Sherloc (09022015). Collection method: clinical testing. Allele origin: germline.
Comment: This sequence change replaces proline, which is neutral and non-polar, with leucine, which is neutral and non-polar, at codon 381 of the RELA protein (p.Pro381Leu). The frequency data for this variant in the population databases is considered unreliable, as metrics indicate poor data quality at this position in the gnomAD database. This variant has not been reported in the literature in individuals affected with RELA-related conditions. ClinVar contains an entry for this variant (Variation ID: 3621733). An algorithm developed to predict the effect of missense changes on protein structure and function outputs the following: PolyPhen-2: "Benign". The leucine amino acid residue is found in multiple mammalian species, which suggests that this missense change does not adversely affect protein function. In summary, the available evidence is currently insufficient to determine the role of this variant in disease. Therefore, it has been classified as a Variant of Uncertain Significance.

NM_021975.4(RELA):c.1142C>T (p.Pro381Leu)

Gene: RELA (RELA proto-oncogene, NF-kB subunit; minus strand). Cytogenetic location: 11q13.1.
Variant type: single nucleotide variant.
Coding change: c.1142C>T on transcript NM_021975.4 (MANE Select); coding-DNA position 1142, C replaced by T.
Protein change: p.Pro381Leu; replaces proline 381 with leucine.
Molecular consequence: missense variant. On other transcripts: intron variant (1).
Genome position (GRCh38, 1-based): chr11:65,654,892, G>A on the plus strand (C>T on the coding strand, the complement: RELA is on the minus strand). VCF-style: chr11-65654892-G-A. GRCh37 (hg19) VCF-style: chr11-65422363-G-A.
Other names: c.1133C>T, p.Pro378Leu (NM_001145138.2); c.1142C>T, p.Pro381Leu (NM_001243985.2); c.1175C>T, p.Pro392Leu (NM_001404657.1); c.1115C>T, p.Pro372Leu (NM_001404658.1); c.929C>T, p.Pro310Leu (NM_001404659.1); c.824C>T, p.Pro275Leu (NM_001404660.1); c.761C>T, p.Pro254Leu (NM_001404661.1); c.1049C>T, p.Pro350Leu (NM_001404662.1, NM_001404663.1); and 1 more; short protein forms P254L, P275L, P310L, P350L, P372L, P378L, P381L, P392L.
Identifiers: ClinVar variation 3621733 (VCV003621733.2).